The following is an entry in ClinVar:

ClinVar aggregate classification (germline): Likely benign. Review status: reviewed by expert panel (3 of 4 stars). 3 submissions from 3 submitters: Likely benign (1). 2 of the submissions do not count toward it. Last evaluated 2017-06-29.

Conditions:
Hereditary breast ovarian cancer syndrome. Also called: BRCA1- and BRCA2-Associated Hereditary Breast and Ovarian Cancer; Hereditary breast and ovarian cancer syndrome; Hereditary breast and ovarian cancer syndrome (HBOC); Breast and ovarian cancer; Hereditary breast and/or ovarian cancer syndrome; Hereditary breast and ovarian cancer. Identifiers: Orphanet 145, MedGen C0677776, MeSH D061325, MONDO:0003582. Disease mechanism: loss of function.
Breast-ovarian cancer, familial, susceptibility to, 1 (BROVCA1). Also called: BRCA1 Hereditary Breast and Ovarian Cancer; OVARIAN CANCER, SUSCEPTIBILITY TO. Identifiers: Orphanet 145, MedGen C2676676, MONDO:0011450, OMIM 604370. Disease mechanism: loss of function.

Allele frequency attached by ClinVar (database versions not stated): gnomAD exomes below 0.00001.
gnomAD v4.1: 3 of 1,611,064 alleles (0.00019%); highest among the groups gnomAD compares: Non-Finnish European, 0.00025%; no homozygotes.

Submissions (3):

Evidence-based Network for the Interpretation of Germline Mutant Alleles (ENIGMA)
Classification: Likely benign for Breast-ovarian cancer, familial, susceptibility to, 1. Last evaluated: 2017-06-29. Review status: reviewed by expert panel. Criteria: ENIGMA BRCA1/2 Classification Criteria (2017-06-29). Collection method: curation. Allele origin: germline.
Comment: Synonymous substitution variant, with low bioinformatic likelihood to result in a splicing aberration (Splicing prior probability 0.02).

Labcorp Genetics (formerly Invitae), Labcorp
Classification: Uncertain significance for Hereditary breast ovarian cancer syndrome. Last evaluated: 2022-06-19. Review status: criteria provided, single submitter. Criteria: Invitae Variant Classification Sherloc (09022015). Collection method: clinical testing. Allele origin: germline. Not counted in ClinVar's aggregate classification.
Comment: This sequence change affects codon 262 of the BRCA1 mRNA. It is a 'silent' change, meaning that it does not change the encoded amino acid sequence of the BRCA1 protein. This variant is present in population databases (rs397509317, gnomAD 0.0009%). This variant has been observed in individual(s) with breast cancer (PMID: 31706072). ClinVar contains an entry for this variant (Variation ID: 55698). Algorithms developed to predict the effect of sequence changes on RNA splicing suggest that this variant may create or strengthen a splice site. In summary, the available evidence is currently insufficient to determine the role of this variant in disease. Therefore, it has been classified as a Variant of Uncertain Significance.

Department of Pathology and Laboratory Medicine, Sinai Health System
Classification: Uncertain significance. Review status: no assertion criteria provided. Collection method: clinical testing. Allele origin: unknown. Affected: yes. Observed: 2 variant alleles. Study: The Canadian Open Genetics Repository (COGR). Not counted in ClinVar's aggregate classification.
Comment: The p.Leu235Leu variant has been previously identified in the literature in at least one family with familial breast and/or ovarian cancer (Anczukâˆšâ‰¥w 2008); and it is listed once in the HGMD mutation database. This variant is not listed in the dbSNP or EVS databases, and so the frequency of this variant in the general population is not known. Although the p.Leu235Leu variant does not alter the amino acid and occurs outside of the splicing consensus sequence, in-silico or computational prediction software (SpliceSiteFinder, MaxEntScan, NNSPLICE, GeneSplicer, HumanSpliceFinder) predicts a greater than 10% difference in splicing in 3 of 5 different programs. However, this information is not predictive enough to rule out pathogenicity. In support of the in-silico findings, using a minigene construct, Anczukâˆšâ‰¥w et al (2008) demonstrated that this variant favours the production of an alternatively spliced, shortened transcript over the wild-type transcript which may have an impact at the cellular level. In summary, based on the above information, this variant is classified as a variant of unknown significance.

Literature cited by the submitters: PubMed 31706072 (cited by Labcorp Genetics (formerly Invitae), Labcorp).

NM_007294.4(BRCA1):c.786G>A (p.Gln262=)

Gene: BRCA1 (BRCA1 DNA repair associated; minus strand). Cytogenetic location: 17q21.31.
Variant type: single nucleotide variant.
Coding change: c.786G>A on transcript NM_007294.4 (MANE Select); coding-DNA position 786, G replaced by A.
Protein change: p.Gln262=; no amino-acid change (glutamine 262 retained).
Molecular consequence: synonymous variant. On other transcripts: 5 prime UTR variant (2), intron variant (13).
Genome position (GRCh38, 1-based): chr17:43,094,745, C>T on the plus strand (G>A on the coding strand, the complement: BRCA1 is on the minus strand). VCF-style: chr17-43094745-C-T. GRCh37 (hg19) VCF-style: chr17-41246762-C-T.
Other names: c.642G>A, p.Gln214= (NM_001407746.1, NM_001407747.1, NM_001407748.1 and 26 more transcripts); c.645G>A, p.Gln215= (NM_001407750.1, NM_001407751.1, NM_001407752.1 and 43 more transcripts); c.573G>A, p.Gln191= (NM_001407853.1, NM_001407894.1, NM_001407895.1 and 12 more transcripts); c.786G>A, p.Gln262= (NM_001407854.1, NM_001407858.1, NM_001407859.1 and 54 more transcripts); c.783G>A, p.Gln261= (NM_001407860.1, NM_001407861.1, NM_001407972.1 and 38 more transcripts); c.585G>A, p.Gln195= (NM_001407862.1, NM_001408474.1, NM_001408476.1); c.663G>A, p.Gln221= (NM_001407863.1, NM_001407919.1, NM_001407937.1 and 34 more transcripts); c.582G>A, p.Gln194= (NM_001407874.1, NM_001407875.1, NM_001408475.1); and 20 more.
Identifiers: ClinVar variation 55698 (VCV000055698.7), dbSNP rs397509317, ClinGen allele CA003866.